The following is an entry in ClinVar:

ClinVar aggregate classification (germline): Uncertain significance (1 of 4 stars; one submission).

Conditions:
Neuromuscular disease caused by qualitative or quantitative defects of dysferlin. Also called: Dysferlinopathy; Qualitative or quantitative defects of dysferlin. Identifiers: Orphanet 207073, MedGen C2931687, MONDO:0016145.

Submission:

Labcorp Genetics (formerly Invitae), Labcorp
Classification: Uncertain significance for Neuromuscular disease caused by qualitative or quantitative defects of dysferlin. Last evaluated: 2022-07-19. Review status: criteria provided, single submitter. Criteria: Invitae Variant Classification Sherloc (09022015). Collection method: clinical testing. Allele origin: germline.
Comment: This variant, c.5813_5821dup, results in the insertion of 3 amino acid(s) of the DYSF protein (p.Thr1938_Lys1940dup), but otherwise preserves the integrity of the reading frame. This variant is not present in population databases (gnomAD no frequency). This variant has been observed in individual(s) with clinical features of DYSF-related conditions (Invitae). Experimental studies and prediction algorithms are not available or were not evaluated, and the functional significance of this variant is currently unknown. In summary, the available evidence is currently insufficient to determine the role of this variant in disease. Therefore, it has been classified as a Variant of Uncertain Significance.

NM_001130987.2(DYSF):c.5921CAGCCAAGA[3] (p.Thr1977_Lys1979dup)

Gene: DYSF (dysferlin; plus strand). Cytogenetic location: 2p13.2.
Variant type: Microsatellite.
Coding change: c.5921CAGCCAAGA[3] on transcript NM_001130987.2 (MANE Select); three copies in a row of the 9-base unit CAGCCAAGA starting at c.5921; the reference has two copies in a row; one copy, 9 bases duplicated.
Protein change: p.Thr1977_Lys1979dup.
Molecular consequence: inframe insertion.
Genome position (GRCh38, 1-based): chr2:71,679,102-71,679,110, CAGCCAAGA duplicated; duplicating any 9 consecutive bases within chr2:71,679,093-71,679,110 gives the same sequence; the position shown is the placement nearest the transcript's 3' end. VCF-style (leftmost placement, unchanged base first): chr2-71679092-C-CCAGCCAAGA. GRCh37 (hg19) VCF-style: chr2-71906222-C-CCAGCCAAGA.
Other names: c.5825CAGCCAAGA[3], p.Thr1945_Lys1947dup (NM_001130977.2); c.5867CAGCCAAGA[3], p.Thr1959_Lys1961dup (NM_001130978.2); c.5897CAGCCAAGA[3], p.Thr1969_Lys1971dup (NM_001130979.2); c.5807CAGCCAAGA[3], p.Thr1939_Lys1941dup (NM_001130455.2); c.5762CAGCCAAGA[3], p.Thr1924_Lys1926dup (NM_001130976.2); c.5855CAGCCAAGA[3], p.Thr1955_Lys1957dup (NM_001130980.2); c.5918CAGCCAAGA[3], p.Thr1976_Lys1978dup (NM_001130981.2); c.5900CAGCCAAGA[3], p.Thr1970_Lys1972dup (NM_001130982.2); and 5 more.
Identifiers: ClinVar variation 1426027 (VCV001426027.6), dbSNP rs2152967769, ClinGen allele CA2580611655.